The following is an entry in ClinVar:

ClinVar aggregate classification (germline): Likely benign. Review status: criteria provided, multiple submitters, no conflicts (2 of 4 stars). 4 submissions from 4 submitters: Likely benign (4). Last evaluated 2026-04-01.

Conditions:
ADGRV1-related disorder. Also called: ADGRV1-related condition; ADGRV1-related disorders.

Allele frequency attached by ClinVar (database versions not stated): TOPMed 0.00001; gnomAD exomes 0.00002 and 0.00004; ExAC 0.00003.
gnomAD v4.1: 26 of 1,613,872 alleles (0.0016%); highest among the groups gnomAD compares: Admixed American, 0.013%; no homozygotes.

Submissions (4):

CeGaT Center for Human Genetics Tuebingen
Classification: Likely benign. Last evaluated: 2026-04-01. Review status: criteria provided, single submitter. Criteria: CeGaT Center For Human Genetics Tuebingen Variant Classification Criteria Version 2. Collection method: clinical testing. Allele origin: germline. Affected: yes. Observed: 1 variant allele.
Comment: ADGRV1: BP4, BP7

PreventionGenetics, part of Exact Sciences
Classification: Likely benign for ADGRV1-related condition. Last evaluated: 2026-03-09. Review status: criteria provided, single submitter. Criteria: ACMG Guidelines, 2015. Collection method: clinical testing. Allele origin: germline.
Comment: This variant is classified as likely benign based on ACMG/AMP sequence variant interpretation guidelines (Richards et al. 2015 PMID: 25741868, with internal and published modifications).

Labcorp Genetics (formerly Invitae), Labcorp
Classification: Likely benign. Last evaluated: 2025-08-29. Review status: criteria provided, single submitter. Criteria: Invitae Variant Classification Sherloc (09022015). Collection method: clinical testing. Allele origin: germline.

Blueprint Genetics
Classification: Likely benign. Last evaluated: 2023-09-14. Review status: criteria provided, single submitter. Criteria: ACMG Guidelines, 2015. Collection method: clinical testing. Allele origin: germline.

NM_032119.4(ADGRV1):c.15858A>G (p.Thr5286=)

Gene: ADGRV1 (adhesion G protein-coupled receptor V1; plus strand). Cytogenetic location: 5q14.3.
Variant type: single nucleotide variant.
Coding change: c.15858A>G on transcript NM_032119.4 (MANE Select); coding-DNA position 15858, A replaced by G.
Protein change: p.Thr5286=; no amino-acid change (threonine 5286 retained).
Molecular consequence: synonymous variant. On other transcripts: non-coding transcript variant (1).
Genome position (GRCh38, 1-based): chr5:90,811,118, A>G. VCF-style: chr5-90811118-A-G. GRCh37 (hg19) VCF-style: chr5-90106935-A-G.
Other names: c.15858A>G (NM_032119.3).
Identifiers: ClinVar variation 1364072 (VCV001364072.12), dbSNP rs759726637, ClinGen allele CA3341995.
Genomic context (GRCh38, chr5:90,811,118, plus strand): 5'-TGCTCAGATGGAACCAAATGCATTGCCCTTTCGTGGTATCTATGGGATTTCCAACCTAAC[A>G]TGGGCAGTTGAAGAAGAAGACTTTGAAGAACAAACTCTTACCCTTATATTCCTAGATGGA-3'
Protein context (NP_115495.3, residues 5276-5296): FRGIYGISNL[Thr5286=]WAVEEEDFEE